The following is an entry in ClinVar:

NM_001358530.2(MOCS1):c.870+1G>C

Gene: MOCS1 (molybdenum cofactor synthesis 1; minus strand). Cytogenetic location: 6p21.2.
Variant type: single nucleotide variant.
Coding change: c.870+1G>C on transcript NM_001358530.2 (MANE Select); the canonical splice donor site of the intron after coding-DNA position 870, G replaced by C.
Molecular consequence: splice donor variant.
Genome position (GRCh38, 1-based): chr6:39,912,891, C>G on the plus strand (G>C on the coding strand, the complement: MOCS1 is on the minus strand). VCF-style: chr6-39912891-C-G. GRCh37 (hg19) VCF-style: chr6-39880635-C-G.
Other names: c.609+1G>C (NM_001358531.2, NM_001358533.2, NM_001358534.2); c.870+1G>C (NM_001358529.2, NM_001075098.4, NM_005943.6).
Identifiers: ClinVar variation 5002756 (VCV005002756.1).

ClinVar aggregate classification (germline): Pathogenic (1 of 4 stars; one submission).

Conditions:
Sulfite oxidase deficiency due to molybdenum cofactor deficiency type A. Also called: Molybdenum cofactor deficiency, complementation group A; Molybdenum Cofactor Deficiency A. Identifiers: Orphanet 308386, Orphanet 833, MedGen C1854988, MONDO:0009643, OMIM 252150.

Submission:

OLLIN Analises Genomicas, OLLIN
Classification: Pathogenic for Sulfite oxidase deficiency due to molybdenum cofactor deficiency type A. Last evaluated: 2026-08-06. Review status: criteria provided, single submitter. Criteria: ACMG Guidelines 2015 PMID 25741868. Collection method: clinical testing. Allele origin: germline. Inheritance: Autosomal recessive inheritance.
Comment: This variant, located at the canonical splicing site (splice donor), is absent from gnomAD and ClinVar and has not been identified in the literature. This variant is predicted to disrupt a canonical splice site, potentially leading to exon skipping, mRNA degradation via nonsense-mediated decay (NMD), or production of a truncated protein. Another pathogenic variant has been reported to result in the same amino acid substitution. According to the currently available evidence, this variant has been classified as pathogenic (PVS1, PS1_P, PM2_P).